The following is an entry in ClinVar:

ClinVar aggregate classification (germline): Likely benign. Review status: criteria provided, multiple submitters, no conflicts (2 of 4 stars). 3 submissions from 3 submitters: Likely benign (2). 1 of the submissions does not count toward it. Last evaluated 2025-10-29.

Conditions:
NEFH-related disorder. Also called: NEFH-related condition.

Allele frequency attached by ClinVar (database versions not stated): gnomAD exomes 0.00002; TOPMed 0.00002; gnomAD 0.00003; ESP Exome Variant Server 0.00008.
gnomAD v4.1: 27 of 1,614,044 alleles (0.0017%); highest among the groups gnomAD compares: Non-Finnish European, 0.0022%; no homozygotes.

Submissions (3):

Labcorp Genetics (formerly Invitae), Labcorp
Classification: Likely benign. Last evaluated: 2025-10-29. Review status: criteria provided, single submitter. Criteria: Invitae Variant Classification Sherloc (09022015). Collection method: clinical testing. Allele origin: germline.

CeGaT Center for Human Genetics Tuebingen
Classification: Likely benign. Last evaluated: 2024-03-01. Review status: criteria provided, single submitter. Criteria: CeGaT Center For Human Genetics Tuebingen Variant Classification Criteria Version 2. Collection method: clinical testing. Allele origin: germline. Affected: yes. Observed: 1 variant allele.
Comment: NEFH: BP4, BP7

PreventionGenetics, part of Exact Sciences
Classification: Likely benign for NEFH-related condition. Last evaluated: 2023-06-28. Review status: no assertion criteria provided. Collection method: clinical testing. Allele origin: germline. Not counted in ClinVar's aggregate classification.
Comment: This variant is classified as likely benign based on ACMG/AMP sequence variant interpretation guidelines (Richards et al. 2015 PMID: 25741868, with internal and published modifications).

NM_021076.4(NEFH):c.1137C>T (p.Ala379=)

Gene: NEFH (neurofilament heavy chain; plus strand). Cytogenetic location: 22q12.2.
Variant type: single nucleotide variant.
Coding change: c.1137C>T on transcript NM_021076.4 (MANE Select); coding-DNA position 1137, C replaced by T.
Protein change: p.Ala379=; no amino-acid change (alanine 379 retained).
Molecular consequence: synonymous variant.
Genome position (GRCh38, 1-based): chr22:29,485,776, C>T. VCF-style: chr22-29485776-C-T. GRCh37 (hg19) VCF-style: chr22-29881765-C-T.
Other names: c.1137C>T (NM_021076.3).
Identifiers: ClinVar variation 1673893 (VCV001673893.29), dbSNP rs372676194, ClinGen allele CA10174130.